The following is an entry in ClinVar:

NM_024642.5(GALNT12):c.1525G>C (p.Val509Leu)

Gene: GALNT12 (polypeptide N-acetylgalactosaminyltransferase 12; plus strand). Cytogenetic location: 9q22.33.
Variant type: single nucleotide variant.
Coding change: c.1525G>C on transcript NM_024642.5 (MANE Select); coding-DNA position 1525, G replaced by C.
Protein change: p.Val509Leu; replaces valine 509 with leucine.
Molecular consequence: missense variant.
Genome position (GRCh38, 1-based): chr9:98,846,043, G>C. VCF-style: chr9-98846043-G-C. GRCh37 (hg19) VCF-style: chr9-101608325-G-C.
Other names: short protein forms V509L.
Identifiers: ClinVar variation 1774521 (VCV001774521.2), dbSNP rs999070067, ClinGen allele CA374221733.
Genomic context (GRCh38, chr9:98,846,043, plus strand): 5'-GAGTACACGTCCCAGAAAGAAATACGCTATAACACCCACCAGCCTGAGGGCTGCATTGCT[G>C]TGGAAGCAGGAATGGATACCCTTATCATGCATCTCTGCGAAGAAACTGCCCCAGAGAATC-3'
Protein context (NP_078918.3, residues 499-519): NTHQPEGCIA[Val509Leu]EAGMDTLIMH

ClinVar aggregate classification (germline): Uncertain significance (1 of 4 stars; one submission).

Submission:

Ambry Genetics
Classification: Uncertain significance. Last evaluated: 2022-03-31. Review status: criteria provided, single submitter. Criteria: Ambry Variant Classification Scheme 2023. Collection method: clinical testing. Allele origin: germline.
Comment: The p.V509L variant (also known as c.1525G>C), located in coding exon 9 of the GALNT12 gene, results from a G to C substitution at nucleotide position 1525. The valine at codon 509 is replaced by leucine, an amino acid with highly similar properties. This amino acid position is conserved. In addition, this alteration is predicted to be tolerated by in silico analysis. Since supporting evidence is limited at this time, the clinical significance of this alteration remains unclear.